The following is an entry in ClinVar:

ClinVar aggregate classification (germline): Uncertain significance (1 of 4 stars; one submission).

Conditions:
Deficiency of 2-methylbutyryl-CoA dehydrogenase (ACADSB). Also called: 2-methylbutyryl-CoA dehydrogenase deficiency; SBCAD deficiency; 2-methylbutyric aciduria; Short branched-chain acyl-CoA dehydrogenase deficiency; 2-methylbutyrylglycinuria. Identifiers: Orphanet 79157, MedGen C1864912, MONDO:0012392, OMIM 610006, HP:0020147.

gnomAD v4.1: 11 of 1,613,918 alleles (0.00068%); highest among the groups gnomAD compares: Non-Finnish European, 0.00085%; no homozygotes.

Submission:

Labcorp Genetics (formerly Invitae), Labcorp
Classification: Uncertain significance for Deficiency of 2-methylbutyryl-CoA dehydrogenase. Last evaluated: 2023-06-25. Review status: criteria provided, single submitter. Criteria: Invitae Variant Classification Sherloc (09022015). Collection method: clinical testing. Allele origin: germline.
Comment: Advanced modeling of protein sequence and biophysical properties (such as structural, functional, and spatial information, amino acid conservation, physicochemical variation, residue mobility, and thermodynamic stability) performed at Invitae indicates that this missense variant is not expected to disrupt ACADSB protein function. In summary, the available evidence is currently insufficient to determine the role of this variant in disease. Therefore, it has been classified as a Variant of Uncertain Significance. This variant has not been reported in the literature in individuals affected with ACADSB-related conditions. This sequence change replaces valine, which is neutral and non-polar, with methionine, which is neutral and non-polar, at codon 124 of the ACADSB protein (p.Val124Met). This variant is present in population databases (no rsID available, gnomAD 0.0009%).

NM_001609.4(ACADSB):c.370G>A (p.Val124Met)

Gene: ACADSB (acyl-CoA dehydrogenase short/branched chain; plus strand). Cytogenetic location: 10q26.13.
Variant type: single nucleotide variant.
Coding change: c.370G>A on transcript NM_001609.4 (MANE Select); coding-DNA position 370, G replaced by A.
Protein change: p.Val124Met; replaces valine 124 with methionine.
Molecular consequence: missense variant.
Genome position (GRCh38, 1-based): chr10:123,040,532, G>A. VCF-style: chr10-123040532-G-A. GRCh37 (hg19) VCF-style: chr10-124800048-G-A.
Other names: c.64G>A, p.Val22Met (NM_001330174.3); short protein forms V22M, V124M.
Identifiers: ClinVar variation 2753617 (VCV002753617.3), dbSNP rs375217368, ClinGen allele CA215161715.
Genomic context (GRCh38, chr10:123,040,532, plus strand): 5'-GGTATTGAAGTTGACCCAGAATATGGAGGCACAGGAGCTTCATTTTTATCCACTGTGCTC[G>A]TGATAGAGGAATTAGCCAAAGTTGATGCATCTGTGGCTGTCTTTTGTGAGATCCAGAACA-3'
Protein context (NP_001600.1, residues 114-134): TGASFLSTVL[Val124Met]IEELAKVDAS